The following is an entry in ClinVar:

ClinVar aggregate classification (germline): Uncertain significance. Review status: criteria provided, multiple submitters, no conflicts (2 of 4 stars). 4 submissions from 4 submitters: Uncertain significance (3). 1 of the submissions does not count toward it. Last evaluated 2024-12-18.

Conditions:
Autosomal recessive limb-girdle muscular dystrophy type 2A (LGMDR1). Also called: Calpainopathy; Muscular dystrophy, limb-girdle, type 2A, Amish; LEYDEN-MOEBIUS MUSCULAR DYSTROPHY; MUSCULAR DYSTROPHY, PELVOFEMORAL; Limb-girdle muscular dystrophy, type 2A. Identifiers: Orphanet 267, MedGen C1869123, MONDO:0009675, OMIM 253600. Disease mechanism: loss of function.

Allele frequency attached by ClinVar (database versions not stated): gnomAD 0.00001; TOPMed 0.00001.
gnomAD v4.1: 1 of 1,577,060 alleles (0.000063%); highest among the groups gnomAD compares: Non-Finnish European, 0.000087%; no homozygotes.

Submissions (4):

Revvity Omics, Revvity
Classification: Uncertain significance. Last evaluated: 2024-12-18. Review status: criteria provided, single submitter. Criteria: ACMG Guidelines, 2015. Collection method: clinical testing. Allele origin: germline.

Labcorp Genetics (formerly Invitae), Labcorp
Classification: Uncertain significance for Autosomal recessive limb-girdle muscular dystrophy type 2A. Last evaluated: 2024-05-15. Review status: criteria provided, single submitter. Criteria: Invitae Variant Classification Sherloc (09022015). Collection method: clinical testing. Allele origin: germline.
Comment: This sequence change falls in intron 16 of the CAPN3 gene. It does not directly change the encoded amino acid sequence of the CAPN3 protein. This variant is not present in population databases (gnomAD no frequency). This variant has not been reported in the literature in individuals affected with CAPN3-related conditions. ClinVar contains an entry for this variant (Variation ID: 282784). Algorithms developed to predict the effect of sequence changes on RNA splicing suggest that this variant may disrupt the consensus splice site. In summary, the available evidence is currently insufficient to determine the role of this variant in disease. Therefore, it has been classified as a Variant of Uncertain Significance.

Eurofins Ntd Llc (ga)
Classification: Uncertain significance. Last evaluated: 2017-04-14. Review status: criteria provided, single submitter. Criteria: EGL Classification Definitions 2015. Collection method: clinical testing. Allele origin: germline. Observed: 4 variant alleles, 4 heterozygotes.

Natera, Inc.
Classification: Uncertain significance for Limb-girdle muscular dystrophy type 2A. Last evaluated: 2021-02-17. Review status: no assertion criteria provided. Collection method: clinical testing. Allele origin: germline. Not counted in ClinVar's aggregate classification.

NM_000070.3(CAPN3):c.1914+10C>T

Gene: CAPN3 (calpain 3; plus strand). Cytogenetic location: 15q15.1.
Variant type: single nucleotide variant.
Coding change: c.1914+10C>T on transcript NM_000070.3 (MANE Select); 10 bases into the intron after coding-DNA position 1914, C replaced by T.
Molecular consequence: intron variant.
Genome position (GRCh38, 1-based): chr15:42,408,334, C>T. VCF-style: chr15-42408334-C-T. GRCh37 (hg19) VCF-style: chr15-42700532-C-T.
Other names: c.1896+10C>T (NM_024344.2); c.1639-969C>T (NM_173087.2); c.378+10C>T (NM_173088.2); c.-81-969C>T (NM_173090.2, NM_173089.2).
Identifiers: ClinVar variation 282784 (VCV000282784.16), dbSNP rs886042479, ClinGen allele CA10604294.